The following is an entry in ClinVar:

ClinVar aggregate classification (germline): Conflicting classifications of pathogenicity. Review status: criteria provided, conflicting classifications (1 of 4 stars). 3 submissions from 3 submitters: Uncertain significance (1); Benign (1); Likely benign (1). Last evaluated 2026-01-12.

Allele frequency attached by ClinVar (database versions not stated): TOPMed 0.00014; ExAC 0.00022; gnomAD exomes 0.00010 and 0.00020; gnomAD 0.00011.
gnomAD v4.1: 174 of 1,603,506 alleles (0.011%); highest among the groups gnomAD compares: Middle Eastern, 0.12%; no homozygotes.

Submissions (3):

Labcorp Genetics (formerly Invitae), Labcorp
Classification: Uncertain significance. Last evaluated: 2026-01-12. Review status: criteria provided, single submitter. Criteria: Invitae Variant Classification Sherloc (09022015). Collection method: clinical testing. Allele origin: germline.
Comment: This sequence change replaces arginine, which is basic and polar, with glutamine, which is neutral and polar, at codon 189 of the RPL15 protein (p.Arg189Gln). This variant is present in population databases (rs764132899, gnomAD 0.03%), and has an allele count higher than expected for a pathogenic variant. This variant has not been reported in the literature in individuals affected with RPL15-related conditions. ClinVar contains an entry for this variant (Variation ID: 858117). An algorithm developed to predict the effect of missense changes on protein structure and function (PolyPhen-2) suggests that this variant is likely to be tolerated. In summary, the available evidence is currently insufficient to determine the role of this variant in disease. Therefore, it has been classified as a Variant of Uncertain Significance.

Laboratory of Genetics, Children's Clinical University Hospital Latvia
Classification: Benign. Last evaluated: 2025-02-16. Review status: criteria provided, single submitter. Criteria: ACMG Guidelines, 2015. Collection method: clinical testing. Allele origin: germline. Affected: yes.

Blueprint Genetics
Classification: Likely benign. Last evaluated: 2024-10-25. Review status: criteria provided, single submitter. Criteria: ACMG Guidelines, 2015. Collection method: clinical testing. Allele origin: germline.

NM_002948.5(RPL15):c.566G>A (p.Arg189Gln)

Genes: NKIRAS1 (NFKB inhibitor interacting Ras like 1; minus strand), RPL15 (ribosomal protein L15; plus strand). Cytogenetic location: 3p24.2.
Variant type: single nucleotide variant.
Coding change: c.566G>A on transcript NM_002948.5 (MANE Select); coding-DNA position 566, G replaced by A.
Protein change: p.Arg189Gln; replaces arginine 189 with glutamine.
Molecular consequence: missense variant. On other transcripts: intron variant (2).
Genome position (GRCh38, 1-based): chr3:23,919,452, G>A. VCF-style: chr3-23919452-G-A. GRCh37 (hg19) VCF-style: chr3-23960943-G-A.
Other names: c.566G>A, p.Arg189Gln (NM_001253379.2, NM_001253380.2, NM_001253382.2 and 1 more transcripts); c.-139-8002C>T (NM_001377380.1); c.360+206G>A (NM_001253384.2); short protein forms R189Q.
Identifiers: ClinVar variation 858117 (VCV000858117.9), dbSNP rs764132899, ClinGen allele CA2286541.
Genomic context (GRCh38, chr3:23,919,452, plus strand): 5'-GAAAGAGCCGTGGCCTTGGAAAGGGCCACAAGTTCCACCACACTATTGGTGGCTCTCGCC[G>A]GGCAGCTTGGAGAAGGCGCAATACTCTCCAGCTCCACCGTTACCGCTAATATAAGTAAAG-3'
Protein context (NP_002939.2, residues 179-199): KFHHTIGGSR[Arg189Gln]AAWRRRNTLQ